The following is an entry in ClinVar:

ClinVar aggregate classification (germline): Uncertain significance (1 of 4 stars; one submission).

Conditions:
Neurofibromatosis, type 1 (NF1). Also called: VON RECKLINGHAUSEN DISEASE; Peripheral type neurofibromatosis; Neurofibromatosis, type I; NEUROFIBROMATOSIS, TYPE I, SOMATIC. Identifiers: Orphanet 636, MedGen C0027831, MONDO:0018975, OMIM 162200. Disease mechanism: loss of function.

Submission:

Labcorp Genetics (formerly Invitae), Labcorp
Classification: Uncertain significance for Neurofibromatosis, type 1. Last evaluated: 2021-04-19. Review status: criteria provided, single submitter. Criteria: Invitae Variant Classification Sherloc (09022015). Collection method: clinical testing. Allele origin: germline.
Comment: In summary, the available evidence is currently insufficient to determine the role of this variant in disease. Therefore, it has been classified as a Variant of Uncertain Significance. Advanced modeling of protein sequence and biophysical properties (such as structural, functional, and spatial information, amino acid conservation, physicochemical variation, residue mobility, and thermodynamic stability) performed at Invitae indicates that this missense variant is expected to disrupt NF1 protein function. This variant has not been reported in the literature in individuals with NF1-related conditions. This variant is not present in population databases (ExAC no frequency). This sequence change replaces leucine with histidine at codon 1834 of the NF1 protein (p.Leu1834His). The leucine residue is moderately conserved and there is a moderate physicochemical difference between leucine and histidine.

NM_001042492.3(NF1):c.5564T>A (p.Leu1855His)

Gene: NF1 (neurofibromin 1; plus strand). Cytogenetic location: 17q11.2.
Variant type: single nucleotide variant.
Coding change: c.5564T>A on transcript NM_001042492.3 (MANE Select); coding-DNA position 5564, T replaced by A.
Protein change: p.Leu1855His; replaces leucine 1855 with histidine.
Molecular consequence: missense variant.
Genome position (GRCh38, 1-based): chr17:31,327,794, T>A. VCF-style: chr17-31327794-T-A. GRCh37 (hg19) VCF-style: chr17-29654812-T-A.
Other names: c.5501T>A, p.Leu1834His (NM_000267.4); short protein forms L1834H, L1855H.
Identifiers: ClinVar variation 1346777 (VCV001346777.8), dbSNP rs2069385520, ClinGen allele CA399009927.
Genomic context (GRCh38, chr17:31,327,794, plus strand): 5'-AGCCCGACTCTATCCCCCAACACACCAAGATTCGGCCAAAAGATGTCCCTGGGACACTGC[T>A]CAATATCGCATTACTTAATTTAGGCAGTTCTGACCCGAGTTTACGGTAGGTTTTTTAAAA-3'
Protein context (NP_001035957.1, residues 1845-1865): IRPKDVPGTL[Leu1855His]NIALLNLGSS